The following is an entry in ClinVar:

NM_006182.4(DDR2):c.2057A>G (p.Asn686Ser)

Gene: DDR2 (discoidin domain receptor tyrosine kinase 2; plus strand). Cytogenetic location: 1q23.3.
Variant type: single nucleotide variant.
Coding change: c.2057A>G on transcript NM_006182.4 (MANE Select); coding-DNA position 2057, A replaced by G.
Protein change: p.Asn686Ser; replaces asparagine 686 with serine.
Molecular consequence: missense variant.
Genome position (GRCh38, 1-based): chr1:162,776,144, A>G. VCF-style: chr1-162776144-A-G. GRCh37 (hg19) VCF-style: chr1-162745934-A-G.
Other names: c.2057A>G, p.Asn686Ser (NM_001014796.3, NM_001354982.2, NM_001354983.2); c.2057A>G (NM_006182.2); short protein forms N686S.
Identifiers: ClinVar variation 2181517 (VCV002181517.4), dbSNP rs201609613, ClinGen allele CA1217718.

ClinVar aggregate classification (germline): Uncertain significance. Review status: criteria provided, multiple submitters, no conflicts (2 of 4 stars). 2 submissions from 2 submitters: Uncertain significance (2). Last evaluated 2024-09-03.

Conditions:
Inborn genetic diseases. Identifiers: MedGen C0950123, MeSH D030342.

Allele frequency attached by ClinVar (database versions not stated): ExAC 0.00004; TOPMed 0.00007; gnomAD 0.00008; gnomAD exomes 0.00009; ESP Exome Variant Server 0.00015.
gnomAD v4.1: 140 of 1,613,452 alleles (0.0087%); highest among the groups gnomAD compares: Non-Finnish European, 0.01%; no homozygotes.

Submissions (2):

Ambry Genetics
Classification: Uncertain significance for Inborn genetic diseases. Last evaluated: 2024-09-03. Review status: criteria provided, single submitter. Criteria: Ambry Variant Classification Scheme 2023. Collection method: clinical testing. Allele origin: germline.

Labcorp Genetics (formerly Invitae), Labcorp
Classification: Uncertain significance. Last evaluated: 2023-08-23. Review status: criteria provided, single submitter. Criteria: Invitae Variant Classification Sherloc (09022015). Collection method: clinical testing. Allele origin: germline.
Comment: In summary, the available evidence is currently insufficient to determine the role of this variant in disease. Therefore, it has been classified as a Variant of Uncertain Significance. An algorithm developed to predict the effect of missense changes on protein structure and function (PolyPhen-2) suggests that this variant¬†is likely to be tolerated. ClinVar contains an entry for this variant (Variation ID: 2181517). This variant has not been reported in the literature in individuals affected with DDR2-related conditions. This variant is present in population databases (rs201609613, gnomAD 0.02%). This sequence change replaces asparagine, which is neutral and polar, with serine, which is neutral and polar, at codon 686 of the DDR2 protein (p.Asn686Ser).